The following is an entry in ClinVar:

ClinVar aggregate classification (germline): Likely benign. Review status: criteria provided, multiple submitters, no conflicts (2 of 4 stars). 2 submissions from 2 submitters: Likely benign (2). Last evaluated 2025-09-17.

Conditions:
WDR73-related disorder. Also called: WDR73-related condition; WDR73-related disorders.

Allele frequency attached by ClinVar (database versions not stated): gnomAD exomes 0.00001 and 0.00005; ExAC 0.00007; gnomAD 0.00014 and 0.00016; ESP Exome Variant Server 0.00016; TOPMed 0.00017.
gnomAD v4.1: 38 of 1,610,700 alleles (0.0024%); highest among the groups gnomAD compares: African/African-American, 0.048%; no homozygotes.

Submissions (2):

Labcorp Genetics (formerly Invitae), Labcorp
Classification: Likely benign. Last evaluated: 2025-09-17. Review status: criteria provided, single submitter. Criteria: Invitae Variant Classification Sherloc (09022015). Collection method: clinical testing. Allele origin: germline.

PreventionGenetics, part of Exact Sciences
Classification: Likely benign for WDR73-related condition. Last evaluated: 2025-06-17. Review status: criteria provided, single submitter. Criteria: ACMG Guidelines, 2015. Collection method: clinical testing. Allele origin: germline.
Comment: This variant is classified as likely benign based on ACMG/AMP sequence variant interpretation guidelines (Richards et al. 2015 PMID: 25741868, with internal and published modifications).

NM_032856.5(WDR73):c.618G>A (p.Arg206=)

Gene: WDR73 (WD repeat domain 73; minus strand). Cytogenetic location: 15q25.2.
Variant type: single nucleotide variant.
Coding change: c.618G>A on transcript NM_032856.5 (MANE Select); coding-DNA position 618, G replaced by A.
Protein change: p.Arg206=; no amino-acid change (arginine 206 retained).
Molecular consequence: synonymous variant. On other transcripts: non-coding transcript variant (4).
Genome position (GRCh38, 1-based): chr15:84,645,736, C>T on the plus strand (G>A on the coding strand, the complement: WDR73 is on the minus strand). VCF-style: chr15-84645736-C-T. GRCh37 (hg19) VCF-style: chr15-85188967-C-T.
Identifiers: ClinVar variation 738355 (VCV000738355.6), dbSNP rs375938459, ClinGen allele CA7707288.